The following is an entry in ClinVar:

NM_000540.3(RYR1):c.5623G>C (p.Glu1875Gln)

Gene: RYR1 (ryanodine receptor 1; plus strand). Cytogenetic location: 19q13.2.
Variant type: single nucleotide variant.
Coding change: c.5623G>C on transcript NM_000540.3 (MANE Select); coding-DNA position 5623, G replaced by C.
Protein change: p.Glu1875Gln; replaces glutamic acid 1875 with glutamine.
Molecular consequence: missense variant.
Genome position (GRCh38, 1-based): chr19:38,489,252, G>C. VCF-style: chr19-38489252-G-C. GRCh37 (hg19) VCF-style: chr19-38979892-G-C.
Other names: c.5623G>C, p.Glu1875Gln (NM_001042723.2); short protein forms E1875Q.
Identifiers: ClinVar variation 590561 (VCV000590561.3), dbSNP rs991483787, ClinGen allele CA308096509.
Genomic context (GRCh38, chr19:38,489,252, plus strand): 5'-GGCGATGAGGATGTGAAACAGATCTTGAAGATGATTGAGCCTGAGGTCTTCACTGAGGAA[G>C]AAGAGGAGGAGGACGAGGAGGAAGAGGGTGAAGAGGAAGATGAGGAGGAGAAGGAGGAGG-3'
Protein context (NP_000531.2, residues 1865-1885): MIEPEVFTEE[Glu1875Gln]EEEDEEEEGE

ClinVar aggregate classification (germline): Uncertain significance. Review status: criteria provided, multiple submitters, no conflicts (2 of 4 stars). 2 submissions from 2 submitters: Uncertain significance (2). Last evaluated 2023-12-13.

Conditions:
Malignant hyperthermia, susceptibility to, 1 (MHS1). Also called: Anesthesia related hyperthermia; Malignant hyperpyrexia; Fulminating hyperpyrexia; Pharmacogenic myopathy; RYR1-Related Malignant Hyperthermia Susceptibility; Malignant hyperthermia suceptibility 1. Identifiers: Orphanet 423, MedGen C2930980, MONDO:0007783, OMIM 145600.

Allele frequency attached by ClinVar (database versions not stated): TOPMed 0.00001.

Submissions (2):

All of Us Research Program, National Institutes of Health
Classification: Uncertain significance for Malignant hyperthermia, susceptibility to, 1. Last evaluated: 2023-12-13. Review status: criteria provided, single submitter. Criteria: ACMG Guidelines, 2015. Collection method: clinical testing. Allele origin: germline. Inheritance: Autosomal dominant inheritance. Observed: 1 variant allele, 1 heterozygote.
Comment: This missense variant replaces glutamic acid with glutamine at codon 1875 of the RYR1 protein. Computational prediction suggests that this variant may not impact protein structure and function (internally defined REVEL score threshold <= 0.5, PMID: 27666373). To our knowledge, functional studies have not been reported for this variant. This variant has not been reported in individuals affected with RYR1-related disorders in the literature. This variant has not been identified in the general population by the Genome Aggregation Database (gnomAD). The available evidence is insufficient to determine the role of this variant in disease conclusively. Therefore, this variant is classified as a Variant of Uncertain Significance.

This study involves interpretation of variants in research participants for the purpose of population health screening. Participant phenotype was not available at the time of variant classification. Additional details can be found in publication PMID: 35346344, PMCID: PMC8962531

PreventionGenetics, part of Exact Sciences
Classification: Uncertain significance. Last evaluated: 2015-05-19. Review status: criteria provided, single submitter. Criteria: ACMG Guidelines, 2015. Collection method: clinical testing. Allele origin: germline.